The following is an entry in ClinVar:

ClinVar aggregate classification (germline): Pathogenic (1 of 4 stars; one submission).

Conditions:
Intellectual developmental disorder, X-linked 1. Also called: MENTAL RETARDATION, X-LINKED 18; MENTAL RETARDATION, X-LINKED 78; Intellectual disability, X-linked 1; Atkin Flaitz Patil Smith syndrome. Identifiers: Orphanet 777, MedGen C2931498, MONDO:0010656, OMIM 309530.

Submission:

Labcorp Genetics (formerly Invitae), Labcorp
Classification: Pathogenic for Intellectual developmental disorder, X-linked 1. Last evaluated: 2017-11-02. Review status: criteria provided, single submitter. Criteria: Invitae Variant Classification Sherloc (09022015). Collection method: clinical testing. Allele origin: germline.
Comment: For these reasons, this variant has been classified as Pathogenic. Loss-of-function variants in IQSEC2 are known to be pathogenic (PMID: 21686261, 26793055, 27665735). This variant has not been reported in the literature in individuals with IQSEC2-related disease. This variant is not present in population databases (ExAC no frequency). This sequence change creates a premature translational stop signal (p.Leu518Glyfs*2) in the IQSEC2 gene. It is expected to result in an absent or disrupted protein product.

Literature cited by the submitters: PubMed 21686261; PubMed 26793055; PubMed 27665735.

NM_001111125.3(IQSEC2):c.1551_1558del (p.Leu518fs)

Gene: IQSEC2 (IQ motif and Sec7 domain ArfGEF 2; minus strand). Cytogenetic location: Xp11.22.
Variant type: Deletion.
Coding change: c.1551_1558del on transcript NM_001111125.3 (MANE Select); coding-DNA positions 1551 to 1558, 8 bases deleted (CCTCTACC; older notation c.1551_1558delCCTCTACC).
Protein change: p.Leu518fs; shifts the reading frame from leucine 518.
Molecular consequence: frameshift variant.
Genome position (GRCh38, 1-based): chrX:53,251,018-53,251,025, GGTAGAGG deleted on the plus strand (CCTCTACC on the coding strand, the reverse complement: IQSEC2 is on the minus strand); deleting any 8 consecutive bases within chrX:53,251,018-53,251,027 gives the same sequence; the c. name uses the placement nearest the transcript's 3' end. VCF-style (leftmost placement, unchanged base first): chrX-53251017-AGGTAGAGG-A. GRCh37 (hg19) VCF-style: chrX-53280199-AGGTAGAGG-A.
Other names: c.936_943del, p.Leu313fs (NM_015075.2); short protein forms L313fs, L518fs.
Identifiers: ClinVar variation 538603 (VCV000538603.7), dbSNP rs1556863492, ClinGen allele CA658799753.